The following is an entry in ClinVar:

ClinVar aggregate classification (germline): Uncertain significance (1 of 4 stars; one submission).

Conditions:
Fragile X syndrome. Also called: MARKER X SYNDROME; MARTIN-BELL SYNDROME; MENTAL RETARDATION, X-LINKED, ASSOCIATED WITH marXq28; X-LINKED MENTAL RETARDATION AND MACROORCHIDISM; Fragile X syndrome, type A; Fragile X Syndrome (FXS). Identifiers: Orphanet 449291, Orphanet 908, MedGen C0016667, MONDO:0010383, OMIM 300624. Disease mechanism: loss of function.

Submission:

Centre of Medical Genetics, University Hospital Muenster
Classification: Uncertain significance for Fragile X syndrome. Last evaluated: 2022-03-29. Review status: criteria provided, single submitter. Criteria: ACMG Guidelines, 2015. Collection method: clinical testing. Allele origin: germline. Affected: yes. Observed: 1 variant allele.
Comment: ACMG categories: PM1,PM2,PP3

NM_002024.6(FMR1):c.786T>G (p.Phe262Leu)

Gene: FMR1 (fragile X messenger ribonucleoprotein 1; plus strand). Cytogenetic location: Xq27.3.
Variant type: single nucleotide variant.
Coding change: c.786T>G on transcript NM_002024.6 (MANE Select); coding-DNA position 786, T replaced by G.
Protein change: p.Phe262Leu; replaces phenylalanine 262 with leucine.
Molecular consequence: missense variant. On other transcripts: non-coding transcript variant (2).
Genome position (GRCh38, 1-based): chrX:147,932,580, T>G. VCF-style: chrX-147932580-T-G. GRCh37 (hg19) VCF-style: chrX-147014099-T-G.
Other names: c.786T>G, p.Phe262Leu (NM_001185075.2, NM_001185076.2, NM_001185081.2 and 1 more transcripts); short protein forms F262L.
Identifiers: ClinVar variation 1676786 (VCV001676786.2), dbSNP rs2124521147, ClinGen allele CA414439629.